The following is an entry in ClinVar:

NM_152564.5(VPS13B):c.2651-8C>A

Gene: VPS13B (vacuolar protein sorting 13 homolog B; plus strand). Cytogenetic location: 8q22.2.
Variant type: single nucleotide variant.
Coding change: c.2651-8C>A on transcript NM_152564.5 (MANE Select); 8 bases into the intron before coding-DNA position 2651, C replaced by A.
Molecular consequence: intron variant.
Genome position (GRCh38, 1-based): chr8:99,275,073, C>A. VCF-style: chr8-99275073-C-A. GRCh37 (hg19) VCF-style: chr8-100287301-C-A.
Other names: p.?; c.2651-8C>A (NM_017890.5).
Identifiers: ClinVar variation 751520 (VCV000751520.12), dbSNP rs201628860, ClinGen allele CA4822997.
Genomic context (GRCh38, chr8:99,275,073, plus strand): 5'-TAAAATCAAACATTCTCAAGTGACTCATGTTTTATTTTTATTATTGTTTTATAAATATTT[C>A]TTTTCAGTTGATAGTGGAAAAGAGAAGTTGATTCCCTTGCTTCAGGGTCCTTCTGACACT-3'

ClinVar aggregate classification (germline): Likely benign. Review status: criteria provided, multiple submitters, no conflicts (2 of 4 stars). 3 submissions from 3 submitters: Likely benign (3). Last evaluated 2025-12-31.

Conditions:
Cohen syndrome (COH1). Also called: Cutis verticis gyrata, retinitis pigmentosa, and sensorineural deafness; PEPPER SYNDROME. Identifiers: Orphanet 193, MedGen C0265223, MONDO:0008999, OMIM 216550.

Allele frequency attached by ClinVar (database versions not stated): gnomAD exomes 0.00002 and 0.00003; gnomAD 0.00003 and 0.00004; ExAC 0.00006; TOPMed 0.00008.
gnomAD v4.1: 37 of 1,591,476 alleles (0.0023%); highest among the groups gnomAD compares: African/African-American, 0.0068%; no homozygotes.

Submissions (3):

Labcorp Genetics (formerly Invitae), Labcorp
Classification: Likely benign for Cohen syndrome. Last evaluated: 2025-12-31. Review status: criteria provided, single submitter. Criteria: Invitae Variant Classification Sherloc (09022015). Collection method: clinical testing. Allele origin: germline.

Mayo Clinic Laboratories, Mayo Clinic
Classification: Likely benign. Last evaluated: 2025-06-04. Review status: criteria provided, single submitter. Criteria: ACMG Guidelines, 2015. Collection method: clinical testing. Allele origin: germline. Observed: 2 variant alleles.
Comment: BP4, BP7

Blueprint Genetics
Classification: Likely benign. Last evaluated: 2023-01-11. Review status: criteria provided, single submitter. Criteria: ACMG Guidelines, 2015. Collection method: clinical testing. Allele origin: germline.